The following is an entry in ClinVar:

ClinVar aggregate classification (germline): Pathogenic (1 of 4 stars; one submission).

Conditions:
Telangiectasia, hereditary hemorrhagic, type 2 (HHT2). Also called: ACVRL1-Related Hereditary Hemorrhagic Telangiectasia; Telangiectasia, hereditary hemorrhagic, type II. Identifiers: Orphanet 774, MedGen C1838163, MONDO:0010880, OMIM 600376. Disease mechanism: loss of function.

Submission:

Labcorp Genetics (formerly Invitae), Labcorp
Classification: Pathogenic for Telangiectasia, hereditary hemorrhagic, type 2. Last evaluated: 2026-01-08. Review status: criteria provided, single submitter. Criteria: Invitae Variant Classification Sherloc (09022015). Collection method: clinical testing. Allele origin: germline.
Comment: This sequence change creates a premature translational stop signal (p.Val460Alafs*5) in the ACVRL1 gene. While this is not anticipated to result in nonsense mediated decay, it is expected to disrupt the last 44 amino acid(s) of the ACVRL1 protein. This variant is not present in population databases (gnomAD no frequency). This variant has not been reported in the literature in individuals affected with ACVRL1-related conditions. Algorithms developed to predict the effect of sequence changes on RNA splicing suggest that this variant may disrupt the consensus splice site. This variant disrupts a region of the ACVRL1 protein in which other variant(s) (p.Gln490*) have been determined to be pathogenic (PMID: 11484689, 16429404, 24603890). This suggests that this is a clinically significant region of the protein, and that variants that disrupt it are likely to be disease-causing. For these reasons, this variant has been classified as Pathogenic.

Literature cited by the submitters: PubMed 11484689; PubMed 16429404; PubMed 24603890.

NM_000020.3(ACVRL1):c.1379del (p.Val460fs)

Gene: ACVRL1 (activin A receptor like type 1; plus strand). Cytogenetic location: 12q13.13.
Variant type: Deletion.
Coding change: c.1379del on transcript NM_000020.3 (MANE Select); coding-DNA position 1379, one base deleted (T; older notation c.1379delT).
Protein change: p.Val460fs; shifts the reading frame from valine 460.
Molecular consequence: frameshift variant.
Genome position (GRCh38, 1-based): chr12:51,920,760, T deleted. VCF-style (leftmost placement, unchanged base first): chr12-51920759-GT-G. GRCh37 (hg19) VCF-style: chr12-52314543-GT-G.
Other names: c.1379del, p.Val460fs (NM_001077401.2, NM_001406487.1); c.1223del, p.Val408fs (NM_001406490.1); c.1067del, p.Val356fs (NM_001406491.1, NM_001406492.1); c.869del, p.Val290fs (NM_001406494.1); c.815del, p.Val272fs (NM_001406495.1); short protein forms V408fs, V356fs, V272fs, V460fs, V290fs.
Identifiers: ClinVar variation 4725596 (VCV004725596.1).